The following is an entry in ClinVar:

NM_152906.5(TANGO2):c.57-1743_*10769del

Gene: TANGO2 (transport and golgi organization 2 homolog; plus strand). Cytogenetic location: 22q11.21.
Variant type: Deletion.
Coding change: c.57-1743_*10769del on transcript NM_152906.5; 1743 bases into the intron before coding-DNA position 57 through 10769 bases downstream of the stop codon, this stretch deleted.
Other names: TANGO2, EX3-9 DEL; TANGO2, 34-KB DEL; c.57-1744_*10770del (NM_152906.5).
Identifiers: ClinVar variation 224770 (VCV000224770.6).

ClinVar aggregate classification (germline): Pathogenic. Review status: criteria provided, multiple submitters, no conflicts (2 of 4 stars). 3 submissions from 3 submitters: Pathogenic (2). 1 of the submissions does not count toward it. Last evaluated 2016-04-11.

Conditions:
Recurrent metabolic encephalomyopathic crises-rhabdomyolysis-cardiac arrhythmia-intellectual disability syndrome (MECRCN). Also called: METABOLIC CRISES, RECURRENT, WITH RHABDOMYOLYSIS, CARDIAC ARRHYTHMIAS, AND NEURODEGENERATION; Metabolic encephalomyopathic crises, recurrent, with rhabdomyolysis, cardiac arrhythmias, and neurodegeneration; TANGO2 Deficiency. Identifiers: Orphanet 480864, MedGen C5567524, MONDO:0018820, OMIM 616878.
Acute rhabdomyolysis. Identifiers: MedGen C3807306, HP:0008942.
Cardiac arrhythmia. Also called: Arrhythmia; Cardiac rhythm disease. Identifiers: MedGen C0003811, MONDO:0007263, HP:0011675.
Seizure. Also called: Seizures. Identifiers: MedGen C0036572, HP:0001250.
Intellectual disability. Also called: Intellectual functioning disability; Intellectual developmental disorder; intellectual disabilities. Identifiers: MedGen C3714756, MeSH D008607, MONDO:0001071, HP:0001249.
Episodic flaccid weakness. Identifiers: MedGen C4025572, HP:0003752.

Submissions (3):

Undiagnosed Diseases Network, NIH
Classification: Pathogenic for Recurrent metabolic encephalomyopathic crises-rhabdomyolysis-cardiac arrhythmia-intellectual disability syndrome. Last evaluated: 2016-04-11. Review status: criteria provided, single submitter. Criteria: ACMG Guidelines, 2015. Collection method: clinical testing. Allele origin: maternal. Affected: yes. Observed: 1 compound heterozygote.
Comment: This deletion has been described in multiple affected individuals (PMID 26805781, 26805782)

Baylor Genetics
Classification: Pathogenic for Acute rhabdomyolysis; Episodic flaccid weakness; Intellectual disability; Seizures; Arrhythmia. Last evaluated: 2015-09-01. Review status: criteria provided, single submitter. Criteria: Submitter's publication. Collection method: clinical testing. Allele origin: paternal, germline. Inheritance: Autosomal recessive inheritance. Affected: yes. Observed: 1 compound heterozygote, 4 homozygotes. Clinical features observed: Episodic metabolic acidosis (HP:0004911), Intermittent lactic acidemia (HP:0004913), Prolonged QTc interval (HP:0005184), Episodic flaccid weakness (HP:0003752), Abnormality of lateral ventricle (HP:0030047), Acute rhabdomyolysis (HP:0008942), Myoglobinuria (HP:0002913), Myopathic facies (HP:0002058), Dysarthria (HP:0001260), Ataxia (HP:0001251), Intellectual disability (HP:0001249), Generalized myoclonic seizures (HP:0002123), and 17 more. Study: TANGO2. Segregation with disease observed.
Comment: Pathogenicity based on finding the deletion in the homozygous state in 4 individuals from 2 families, and in 1 compound heterozygote, all affected with a similar condition of recurrent rhabdomyolysis, intellectual disability, seizures, recurrent episodes of muscle weakness and metabolic crises, and cardiac arrhythmia.

OMIM
Classification: Pathogenic for METABOLIC CRISES, RECURRENT, WITH RHABDOMYOLYSIS, CARDIAC ARRHYTHMIAS, AND NEURODEGENERATION. Last evaluated: 2023-01-27. Review status: no assertion criteria provided. Collection method: literature only. Allele origin: germline. Not counted in ClinVar's aggregate classification.

Literature cited by the submitters: PubMed 26805781 (cited by OMIM); PubMed 26805782 (cited by OMIM).